The following is an entry in ClinVar:

NM_001939.3(DRP2):c.1191C>T (p.Asn397=)

Gene: DRP2 (dystrophin related protein 2; plus strand). Cytogenetic location: Xq22.1.
Variant type: single nucleotide variant.
Coding change: c.1191C>T on transcript NM_001939.3 (MANE Select); coding-DNA position 1191, C replaced by T.
Protein change: p.Asn397=; no amino-acid change (asparagine 397 retained).
Molecular consequence: synonymous variant.
Genome position (GRCh38, 1-based): chrX:101,247,103, C>T. VCF-style: chrX-101247103-C-T. GRCh37 (hg19) VCF-style: chrX-100502092-C-T.
Other names: c.957C>T, p.Asn319= (NM_001171184.2).
Identifiers: ClinVar variation 3003784 (VCV003003784.3), dbSNP rs1922957655, ClinGen allele CA517528668.

ClinVar aggregate classification (germline): Uncertain significance (1 of 4 stars; one submission).

Submission:

Labcorp Genetics (formerly Invitae), Labcorp
Classification: Uncertain significance. Last evaluated: 2024-01-05. Review status: criteria provided, single submitter. Criteria: Invitae Variant Classification Sherloc (09022015). Collection method: clinical testing. Allele origin: germline.
Comment: This sequence change affects codon 397 of the DRP2 mRNA. It is a 'silent' change, meaning that it does not change the encoded amino acid sequence of the DRP2 protein. This variant is not present in population databases (gnomAD no frequency). This variant has not been reported in the literature in individuals affected with DRP2-related conditions. Algorithms developed to predict the effect of sequence changes on RNA splicing suggest that this variant may disrupt the consensus splice site. In summary, the available evidence is currently insufficient to determine the role of this variant in disease. Therefore, it has been classified as a Variant of Uncertain Significance.